The following is an entry in ClinVar:

ClinVar aggregate classification (germline): Uncertain significance. Review status: criteria provided, multiple submitters, no conflicts (2 of 4 stars). 3 submissions from 3 submitters: Uncertain significance (3). Last evaluated 2022-12-02.

Conditions:
Hereditary cancer-predisposing syndrome. Also called: Tumor predisposition; Hereditary neoplastic syndrome; Neoplastic Syndromes, Hereditary; Hereditary Cancer Syndrome. Identifiers: Orphanet 140162, MedGen C0027672, MeSH D009386, MONDO:0015356.
Familial adenomatous polyposis 1 (FAP1). Also called: FAMILIAL ADENOMATOUS POLYPOSIS 1, ATTENUATED; POLYPOSIS, ADENOMATOUS INTESTINAL. Identifiers: MedGen C2713442, MONDO:0021056, OMIM 175100. Disease mechanism: loss of function.

Submissions (3):

Labcorp Genetics (formerly Invitae), Labcorp
Classification: Uncertain significance for Familial adenomatous polyposis 1. Last evaluated: 2022-12-02. Review status: criteria provided, single submitter. Criteria: Invitae Variant Classification Sherloc (09022015). Collection method: clinical testing. Allele origin: germline.
Comment: In summary, the available evidence is currently insufficient to determine the role of this variant in disease. Therefore, it has been classified as a Variant of Uncertain Significance. Advanced modeling of protein sequence and biophysical properties (such as structural, functional, and spatial information, amino acid conservation, physicochemical variation, residue mobility, and thermodynamic stability) performed at Invitae indicates that this missense variant is not expected to disrupt APC protein function. ClinVar contains an entry for this variant (Variation ID: 819302). This variant has not been reported in the literature in individuals affected with APC-related conditions. This variant is not present in population databases (gnomAD no frequency). This sequence change replaces histidine, which is basic and polar, with tyrosine, which is neutral and polar, at codon 492 of the APC protein (p.His492Tyr).

GeneDx
Classification: Uncertain significance. Last evaluated: 2019-10-15. Review status: criteria provided, single submitter. Criteria: GeneDx Variant Classification Process June 2021. Collection method: clinical testing. Allele origin: germline. Affected: yes.
Comment: Not observed in large population cohorts (Lek 2016); In silico analysis, which includes protein predictors and evolutionary conservation, supports that this variant does not alter protein structure/function; Has not been previously published as pathogenic or benign to our knowledge

Ambry Genetics
Classification: Uncertain significance for Hereditary cancer-predisposing syndrome. Last evaluated: 2018-11-15. Review status: criteria provided, single submitter. Criteria: Ambry Variant Classification Scheme 2023. Collection method: clinical testing. Allele origin: germline.
Comment: The p.H492Y variant (also known as c.1474C>T), located in coding exon 11 of the APC gene, results from a C to T substitution at nucleotide position 1474. The histidine at codon 492 is replaced by tyrosine, an amino acid with similar properties. This amino acid position is highly conserved in available vertebrate species. In addition, in silico predictors for this gene do not accurately predict pathogenicity. Since supporting evidence is limited at this time, the clinical significance of this alteration remains unclear.

NM_000038.6(APC):c.1474C>T (p.His492Tyr)

Gene: APC (APC regulator of Wnt signaling pathway; plus strand). Cytogenetic location: 5q22.2.
Variant type: single nucleotide variant.
Coding change: c.1474C>T on transcript NM_000038.6 (MANE Select); coding-DNA position 1474, C replaced by T.
Protein change: p.His492Tyr; replaces histidine 492 with tyrosine.
Molecular consequence: missense variant.
Genome position (GRCh38, 1-based): chr5:112,827,173, C>T. VCF-style: chr5-112827173-C-T. GRCh37 (hg19) VCF-style: chr5-112162870-C-T.
Other names: c.1474C>T, p.His492Tyr (NM_001127510.3, NM_001354895.2); c.1420C>T, p.His474Tyr (NM_001127511.3); c.1528C>T, p.His510Tyr (NM_001354896.2); c.1504C>T, p.His502Tyr (NM_001354897.2); c.1399C>T, p.His467Tyr (NM_001354898.2); c.1390C>T, p.His464Tyr (NM_001354899.2); c.1351C>T, p.His451Tyr (NM_001354900.2); c.1297C>T, p.His433Tyr (NM_001354901.2); and 5 more; short protein forms H209Y, H433Y, H492Y, H510Y, H401Y, H502Y, H332Y, H366Y.
Identifiers: ClinVar variation 819302 (VCV000819302.9), dbSNP rs1580565114, ClinGen allele CA16024534.